The following is an entry in ClinVar:

ClinVar aggregate classification (germline): Uncertain significance (1 of 4 stars; one submission).

Conditions:
Familial adenomatous polyposis 1 (FAP1). Also called: FAMILIAL ADENOMATOUS POLYPOSIS 1, ATTENUATED; POLYPOSIS, ADENOMATOUS INTESTINAL. Identifiers: MedGen C2713442, MONDO:0021056, OMIM 175100. Disease mechanism: loss of function.

Allele frequency attached by ClinVar (database versions not stated): gnomAD exomes below 0.00001.
gnomAD v4.1: 3 of 1,288,626 alleles (0.00023%); highest among the groups gnomAD compares: African/African-American, 0.0015%; no homozygotes.

Submission:

Labcorp Genetics (formerly Invitae), Labcorp
Classification: Uncertain significance for Familial adenomatous polyposis 1. Last evaluated: 2025-09-23. Review status: criteria provided, single submitter. Criteria: Invitae Variant Classification Sherloc (09022015). Collection method: clinical testing. Allele origin: germline.
Comment: This variant occurs in a non-coding region of the APC gene. It does not change the encoded amino acid sequence of the APC protein. This variant is not present in population databases (gnomAD no frequency). This variant has not been reported in the literature in individuals affected with APC-related conditions. ClinVar contains an entry for this variant (Variation ID: 469817). Experimental studies and prediction algorithms are not available or were not evaluated, and the functional significance of this variant is currently unknown. In summary, the available evidence is currently insufficient to determine the role of this variant in disease. Therefore, it has been classified as a Variant of Uncertain Significance.

NM_001127511.3(APC):c.-96A>C

Gene: APC (APC regulator of Wnt signaling pathway; plus strand). Cytogenetic location: 5q22.2.
Variant type: single nucleotide variant.
Coding change: c.-96A>C on transcript NM_001127511.3; 96 bases upstream of the start codon, A replaced by C.
Molecular consequence: 5 prime UTR variant. On other transcripts: non-coding transcript variant (2).
Genome position (GRCh38, 1-based): chr5:112,707,622, A>C. VCF-style: chr5-112707622-A-C. GRCh37 (hg19) VCF-style: chr5-112043319-A-C.
Other names: c.-46A>C (NM_001407458.1, NM_001407448.1, NM_001407450.1 and 1 more transcripts); c.-279A>C (NM_001407460.1, NM_001407469.1, NM_001354895.2 and 3 more transcripts); c.-1314A>C (NM_001407470.1, NM_001407472.1); c.-96A>C (NM_001354897.2, NM_001354902.2, NM_001407446.1); c.-70A>C (NM_001407453.1).
Identifiers: ClinVar variation 469817 (VCV000469817.8), dbSNP rs1411710258, ClinGen allele CA658655897.
Genomic context (GRCh38, chr5:112,707,622, plus strand): 5'-CCGCCGGAAGCCTAGCCGCTGCTCGGGGGGGACCTGCGGGCTCAGGCCCGGGAGCTGCGG[A>C]CCGAGGTTGGCTCGATGCTGTTCCCAGGTACTGTTGTTGGCTGTTGGTGAGGAAGGTGAA-3'